The following is an entry in ClinVar:

ClinVar aggregate classification (germline): Uncertain significance. Review status: criteria provided, multiple submitters, no conflicts (2 of 4 stars). 2 submissions from 2 submitters: Uncertain significance (2). Last evaluated 2024-07-02.

Allele frequency attached by ClinVar (database versions not stated): ExAC 0.00001; gnomAD exomes 0.00002; TOPMed 0.00004; gnomAD 0.00005.
gnomAD v4.1: 34 of 1,610,290 alleles (0.0021%); highest among the groups gnomAD compares: African/African-American, 0.0094%; no homozygotes.

Submissions (2):

Ambry Genetics
Classification: Uncertain significance. Last evaluated: 2024-07-02. Review status: criteria provided, single submitter. Criteria: Ambry Variant Classification Scheme 2023. Collection method: clinical testing. Allele origin: germline.

Labcorp Genetics (formerly Invitae), Labcorp
Classification: Uncertain significance. Last evaluated: 2023-11-15. Review status: criteria provided, single submitter. Criteria: Invitae Variant Classification Sherloc (09022015). Collection method: clinical testing. Allele origin: germline.
Comment: This sequence change replaces arginine, which is basic and polar, with glutamine, which is neutral and polar, at codon 119 of the PALM protein (p.Arg119Gln). This variant is present in population databases (rs756128231, gnomAD 0.02%). This variant has not been reported in the literature in individuals affected with PALM-related conditions. ClinVar contains an entry for this variant (Variation ID: 1444292). Algorithms developed to predict the effect of missense changes on protein structure and function output the following: SIFT: "Not Available"; PolyPhen-2: "Benign"; Align-GVGD: "Not Available". The glutamine amino acid residue is found in multiple mammalian species, which suggests that this missense change does not adversely affect protein function. In summary, the available evidence is currently insufficient to determine the role of this variant in disease. Therefore, it has been classified as a Variant of Uncertain Significance.

NM_002579.3(PALM):c.356G>A (p.Arg119Gln)

Gene: PALM (paralemmin; plus strand). Cytogenetic location: 19p13.3.
Variant type: single nucleotide variant.
Coding change: c.356G>A on transcript NM_002579.3 (MANE Select); coding-DNA position 356, G replaced by A.
Protein change: p.Arg119Gln; replaces arginine 119 with glutamine.
Molecular consequence: missense variant.
Genome position (GRCh38, 1-based): chr19:731,181, G>A. VCF-style: chr19-731181-G-A. GRCh37 (hg19) VCF-style: chr19-731181-G-A.
Other names: c.356G>A (NM_002579.2); c.356G>A, p.Arg119Gln (NM_001040134.2); short protein forms R119Q.
Identifiers: ClinVar variation 1444292 (VCV001444292.9), dbSNP rs756128231, ClinGen allele CA9022538.